The following is an entry in ClinVar:

NM_006302.3(MOGS):c.1787G>A (p.Arg596Gln)

Gene: MOGS (mannosyl-oligosaccharide glucosidase; minus strand). Cytogenetic location: 2p13.1.
Variant type: single nucleotide variant.
Coding change: c.1787G>A on transcript NM_006302.3 (MANE Select); coding-DNA position 1787, G replaced by A.
Protein change: p.Arg596Gln; replaces arginine 596 with glutamine.
Molecular consequence: missense variant.
Genome position (GRCh38, 1-based): chr2:74,462,002, C>T on the plus strand (G>A on the coding strand, the complement: MOGS is on the minus strand). VCF-style: chr2-74462002-C-T. GRCh37 (hg19) VCF-style: chr2-74689129-C-T.
Other names: c.1469G>A, p.Arg490Gln (NM_001146158.2); short protein forms R596Q, R490Q.
Identifiers: ClinVar variation 1373265 (VCV001373265.4), dbSNP rs759477236, ClinGen allele CA1724718.

ClinVar aggregate classification (germline): Uncertain significance (1 of 4 stars; one submission).

Conditions:
MOGS-congenital disorder of glycosylation. Also called: GLUCOSIDASE I DEFICIENCY; MOGS-CDG; CDG IIb; CDG 2B. Identifiers: Orphanet 79330, MedGen C1853736, MONDO:0011629, OMIM 606056.

Allele frequency attached by ClinVar (database versions not stated): gnomAD 0.00001; TOPMed 0.00001; gnomAD exomes 0.00002 and 0.00003; ExAC 0.00006.

Submission:

Labcorp Genetics (formerly Invitae), Labcorp
Classification: Uncertain significance for MOGS-congenital disorder of glycosylation. Last evaluated: 2023-12-11. Review status: criteria provided, single submitter. Criteria: Invitae Variant Classification Sherloc (09022015). Collection method: clinical testing. Allele origin: germline.
Comment: This sequence change replaces arginine, which is basic and polar, with glutamine, which is neutral and polar, at codon 596 of the MOGS protein (p.Arg596Gln). This variant is present in population databases (rs759477236, gnomAD 0.006%). This missense change has been observed in individual(s) with clinical features of congenital disorder of glycosylation type 2B (PMID: 35790351). ClinVar contains an entry for this variant (Variation ID: 1373265). Advanced modeling of protein sequence and biophysical properties (such as structural, functional, and spatial information, amino acid conservation, physicochemical variation, residue mobility, and thermodynamic stability) has been performed at Invitae for this missense variant, however the output from this modeling did not meet the statistical confidence thresholds required to predict the impact of this variant on MOGS protein function. In summary, the available evidence is currently insufficient to determine the role of this variant in disease. Therefore, it has been classified as a Variant of Uncertain Significance.

Literature cited by the submitters: PubMed 35790351.